The following is an entry in ClinVar:

ClinVar aggregate classification (germline): Pathogenic (1 of 4 stars; one submission).

Conditions:
Nance-Horan syndrome (NHS). Identifiers: Orphanet 627, MedGen C0796085, MONDO:0010545, OMIM 302350.
Cataract 40 (CTRCT40). Also called: CATARACT, CONGENITAL TOTAL, WITH POSTERIOR SUTURAL OPACITIES IN HETEROZYGOTES; Cataract 40, X-linked; CATARACT 40 WITH OR WITHOUT MICROCORNEA. Identifiers: Orphanet 91492, MedGen C4049004, MONDO:0010544, OMIM 302200.

Submissions (2):

Juno Genomics, Hangzhou Juno Genomics, Inc
Classification: Pathogenic for Cataract 40; Nance-Horan syndrome. Review status: criteria provided, single submitter. Criteria: ACMG Guidelines, 2015. Collection method: clinical testing. Allele origin: germline. Affected: yes.
Comment: Null variant in a gene where loss of function (LOF) is a known mechanism of disease.;Absent from controls (or at extremely low frequency if recessive) in Genome Aggregation Database, Exome Sequencing Project, 1000 Genomes Project, or Exome Aggregation Consortium.;Patient's phenotype or family history is highly specific for a disease with a single genetic etiology.

Dr. Peter K. Rogan Lab, Western University
No classification provided (evidence only). Condition: Thyroid cancer, nonmedullary, 1. Review status: no classification provided. Collection method: in vitro. Allele origin: not applicable. Functional consequence: retained intron. Not counted in ClinVar's aggregate classification.

NM_001291867.2(NHS):c.719-1G>T

Gene: NHS (NHS actin remodeling regulator; plus strand). Cytogenetic location: Xp22.13.
Variant type: single nucleotide variant.
Coding change: c.719-1G>T on transcript NM_001291867.2 (MANE Select); the canonical splice acceptor site of the intron before coding-DNA position 719, G replaced by T.
Molecular consequence: splice acceptor variant.
Genome position (GRCh38, 1-based): chrX:17,692,334, G>T. VCF-style: chrX-17692334-G-T. GRCh37 (hg19) VCF-style: chrX-17710454-G-T.
Other names: NC_000023.10:g.17710454G>T; c.719-1G>T (NM_198270.4); c.188-1G>T (NM_001136024.4, NM_001291868.2).
Identifiers: ClinVar variation 3382893 (VCV003382893.3).